The following is an entry in ClinVar:

ClinVar aggregate classification (germline): Pathogenic. Review status: criteria provided, multiple submitters, no conflicts (2 of 4 stars). 6 submissions from 6 submitters: Pathogenic (6). Last evaluated 2026-04-13.

Conditions:
Hereditary cancer-predisposing syndrome. Also called: Neoplastic Syndromes, Hereditary; Hereditary neoplastic syndrome; Hereditary Cancer Syndrome; Tumor predisposition. Identifiers: Orphanet 140162, MedGen C0027672, MeSH D009386, MONDO:0015356.
Familial adenomatous polyposis 2. Also called: MYH-associated polyposis; FAP type 2; COLORECTAL ADENOMATOUS POLYPOSIS, AUTOSOMAL RECESSIVE; ADENOMAS, MULTIPLE COLORECTAL, AUTOSOMAL RECESSIVE; MUTYH-associated polyposis; Adenomas, multiple colorectal. Identifiers: Orphanet 220460, Orphanet 247798, MedGen C3272841, MONDO:0012041, OMIM 608456.

Allele frequency attached by ClinVar (database versions not stated): gnomAD exomes below 0.00001.

Submissions (6):

Institute for Biomarker Research, Medical Diagnostic Laboratories, L.L.C.
Classification: Pathogenic for Hereditary cancer-predisposing syndrome. Last evaluated: 2026-04-13. Review status: criteria provided, single submitter. Criteria: ACMG Guidelines, 2015. Collection method: clinical testing. Allele origin: germline.
Comment: The frameshift deletion NM_001128425.2(MUTYH):c.358delG (p.Glu120Argfs*26) has been reported to ClinVar as Pathogenic with a status of (2 stars) criteria provided, multiple submitters, no conflicts (Accession: VCV000186778.21). This variant is predicted to cause loss of normal protein function through protein truncation caused a frameshift mutation. The frame shifted sequence continues 26 residues until a stop codon is reached. This variant is a frameshift variant which occurs in an exon of MUTYH upstream of where nonsense mediated decay is predicted to occur. The p.Glu120Argfs*26 variant is a loss of function variant in the gene MUTYH, which is intolerant of Loss of Function variants, as indicated by the presence of existing pathogenic loss of function variant NP_001121897.1:p.P3Hfs*41 and 224 others. For these reasons, this variant has been classified as Pathogenic.

Women's Health and Genetics/Laboratory Corporation of America, LabCorp
Classification: Pathogenic for Familial adenomatous polyposis 2. Last evaluated: 2025-07-07. Review status: criteria provided, single submitter. Criteria: LabCorp Variant Classification Summary - May 2015. Collection method: clinical testing. Allele origin: germline.
Comment: Variant summary: MUTYH c.358delG (p.Glu120ArgfsX26) results in a premature termination codon, predicted to cause a truncation of the encoded protein or absence of the protein due to nonsense mediated decay, which are commonly known mechanisms for disease. The variant allele was found at a frequency of 4e-06 in 251398 control chromosomes. To our knowledge, no occurrence of c.358delG in individuals affected with MUTYH-Associated Polyposis and no experimental evidence demonstrating its impact on protein function have been reported. The following publications have been ascertained in the context of this evaluation (PMID: 39497414, 32095738, 32782288). ClinVar contains an entry for this variant (Variation ID: 186778). Based on the evidence outlined above, the variant was classified as pathogenic.

Color Diagnostics, LLC DBA Color Health
Classification: Pathogenic for Hereditary cancer-predisposing syndrome. Last evaluated: 2025-05-12. Review status: criteria provided, single submitter. Criteria: ACMG Guidelines, 2015. Collection method: clinical testing. Allele origin: germline.
Comment: This variant deletes 1 nucleotide in exon 4/16 of the MUTYH gene, creating a frameshift and premature translation stop signal. This variant is expected to result in an absent or non-functional protein product. To our knowledge, this variant has not been reported in individuals affected with MUTYH-related disorders in the literature. This variant has been identified in 1/251398 chromosomes in the general population by the Genome Aggregation Database (gnomAD). Loss of MUTYH function is a known mechanism of disease. Based on the available evidence, this variant is classified as Pathogenic.

Ambry Genetics
Classification: Pathogenic for Hereditary cancer-predisposing syndrome. Last evaluated: 2025-02-20. Review status: criteria provided, single submitter. Criteria: Ambry Variant Classification Scheme 2023. Collection method: clinical testing. Allele origin: germline.
Comment: The c.358delG pathogenic mutation, located in coding exon 4 of the MUTYH gene, results from a deletion of one nucleotide at nucleotide position 358, causing a translational frameshift with a predicted alternate stop codon (p.E120Rfs*26). This variant is considered to be rare based on population cohorts in the Genome Aggregation Database (gnomAD). This alteration is expected to result in loss of function by premature protein truncation or nonsense-mediated mRNA decay. As such, this alteration is interpreted as a disease-causing mutation.

Labcorp Genetics (formerly Invitae), Labcorp
Classification: Pathogenic for Familial adenomatous polyposis 2. Last evaluated: 2024-05-20. Review status: criteria provided, single submitter. Criteria: Invitae Variant Classification Sherloc (09022015). Collection method: clinical testing. Allele origin: germline.
Comment: This sequence change creates a premature translational stop signal (p.Glu120Argfs*26) in the MUTYH gene. It is expected to result in an absent or disrupted protein product. Loss-of-function variants in MUTYH are known to be pathogenic (PMID: 18534194, 20663686). This variant is not present in population databases (gnomAD no frequency). This variant has not been reported in the literature in individuals affected with MUTYH-related conditions. ClinVar contains an entry for this variant (Variation ID: 186778). Algorithms developed to predict the effect of sequence changes on RNA splicing suggest that this variant may disrupt the consensus splice site. For these reasons, this variant has been classified as Pathogenic.

Baylor Genetics
Classification: Pathogenic for Familial adenomatous polyposis 2. Last evaluated: 2022-12-26. Review status: criteria provided, single submitter. Criteria: ACMG Guidelines, 2015. Collection method: clinical testing. Allele origin: unknown.

Literature cited by the submitters: PubMed 32095738 (cited by Women's Health and Genetics/Laboratory Corporation of America, LabCorp); PubMed 32782288 (cited by Women's Health and Genetics/Laboratory Corporation of America, LabCorp); PubMed 39497414 (cited by Women's Health and Genetics/Laboratory Corporation of America, LabCorp); PubMed 18534194 (cited by Labcorp Genetics (formerly Invitae), Labcorp); PubMed 20663686 (cited by Labcorp Genetics (formerly Invitae), Labcorp).

NM_001048174.2(MUTYH):c.274del (p.Glu92fs)

Gene: MUTYH (mutY DNA glycosylase; minus strand). Cytogenetic location: 1p34.1.
Variant type: Deletion.
Coding change: c.274del on transcript NM_001048174.2 (MANE Select); coding-DNA position 274, one base deleted (G; older notation c.274delG).
Protein change: p.Glu92fs; shifts the reading frame from glutamic acid 92.
Molecular consequence: frameshift variant. On other transcripts: 5 prime UTR variant (2), initiator codon variant (2), non-coding transcript variant (2).
Genome position (GRCh38, 1-based): chr1:45,333,315, C deleted on the plus strand (G on the coding strand, the reverse complement: MUTYH is on the minus strand). VCF-style (leftmost placement, unchanged base first): chr1-45333314-TC-T. GRCh37 (hg19) VCF-style: chr1-45798986-TC-T.
Other names: c.274del, p.Glu92fs (NM_001048171.2, NM_001048173.2, NM_001293195.2); c.277del, p.Glu93fs (NM_001048172.2); c.358del, p.Glu120fs (NM_001128425.2); c.319del, p.Glu107fs (NM_001293190.2); c.307del, p.Glu103fs (NM_001293191.2); c.-3del (NM_001293192.2, NM_001293196.2); c.3del, p.Met1fs (NM_001350650.2, NM_001350651.2); c.349del, p.Glu117fs (NM_012222.3); and 1 more; short protein forms E103fs, E117fs, E107fs, M1fs, E120fs, E92fs, E93fs.
Identifiers: ClinVar variation 186778 (VCV000186778.22), dbSNP rs786203213, ClinGen allele CA013416.